The following is an entry in ClinVar:

ClinVar aggregate classification (germline): Uncertain significance (1 of 4 stars; one submission).

Conditions:
MEGF10-related myopathy (CMYO10A). Also called: Congenital myopathy 10A, severe variant. Identifiers: Orphanet 439212, MedGen C3280679, MONDO:0013731, OMIM 614399.

Allele frequency attached by ClinVar (database versions not stated): gnomAD exomes below 0.00001.
gnomAD v4.1: 1 of 1,612,518 alleles (0.000062%); highest among the groups gnomAD compares: South Asian, 0.0011%; no homozygotes.

Submission:

Labcorp Genetics (formerly Invitae), Labcorp
Classification: Uncertain significance for MEGF10-related myopathy. Last evaluated: 2022-06-20. Review status: criteria provided, single submitter. Criteria: Invitae Variant Classification Sherloc (09022015). Collection method: clinical testing. Allele origin: germline.
Comment: Algorithms developed to predict the effect of missense changes on protein structure and function are either unavailable or do not agree on the potential impact of this missense change (SIFT: "Deleterious"; PolyPhen-2: "Probably Damaging"; Align-GVGD: "Class C0"). ClinVar contains an entry for this variant (Variation ID: 853119). This variant has not been reported in the literature in individuals affected with MEGF10-related conditions. This variant is not present in population databases (gnomAD no frequency). This sequence change replaces glutamine, which is neutral and polar, with lysine, which is basic and polar, at codon 54 of the MEGF10 protein (p.Gln54Lys). In summary, the available evidence is currently insufficient to determine the role of this variant in disease. Therefore, it has been classified as a Variant of Uncertain Significance.

NM_001256545.2(MEGF10):c.160C>A (p.Gln54Lys)

Gene: MEGF10 (multiple EGF like domains 10; plus strand). Cytogenetic location: 5q23.2.
Variant type: single nucleotide variant.
Coding change: c.160C>A on transcript NM_001256545.2 (MANE Select); coding-DNA position 160, C replaced by A.
Protein change: p.Gln54Lys; replaces glutamine 54 with lysine.
Molecular consequence: missense variant.
Genome position (GRCh38, 1-based): chr5:127,339,163, C>A. VCF-style: chr5-127339163-C-A. GRCh37 (hg19) VCF-style: chr5-126674855-C-A.
Other names: c.160C>A, p.Gln54Lys (NM_001308119.2, NM_001308121.2, NM_032446.3); short protein forms Q54K.
Identifiers: ClinVar variation 853119 (VCV000853119.10), dbSNP rs1761581164, ClinGen allele CA360822080.